The following is an entry in ClinVar:

NM_152594.3(SPRED1):c.146A>G (p.His49Arg)

Gene: SPRED1 (sprouty related EVH1 domain containing 1; plus strand). Cytogenetic location: 15q14.
Variant type: single nucleotide variant.
Coding change: c.146A>G on transcript NM_152594.3 (MANE Select); coding-DNA position 146, A replaced by G.
Protein change: p.His49Arg; replaces histidine 49 with arginine.
Molecular consequence: missense variant.
Genome position (GRCh38, 1-based): chr15:38,299,486, A>G. VCF-style: chr15-38299486-A-G. GRCh37 (hg19) VCF-style: chr15-38591687-A-G.
Other names: short protein forms H49R.
Identifiers: ClinVar variation 4615040 (VCV004615040.1).

ClinVar aggregate classification (germline): Uncertain significance (1 of 4 stars; one submission).

Conditions:
Cardiovascular phenotype. Identifiers: MedGen CN230736.

gnomAD v4.1: 1 of 1,614,090 alleles (0.000062%); highest among the groups gnomAD compares: South Asian, 0.0011%; no homozygotes.

Submission:

Ambry Genetics
Classification: Uncertain significance for Cardiovascular phenotype. Last evaluated: 2025-11-25. Review status: criteria provided, single submitter. Criteria: Ambry Variant Classification Scheme 2023. Collection method: clinical testing. Allele origin: germline.
Comment: The p.H49R variant (also known as c.146A>G), located in coding exon 2 of the SPRED1 gene, results from an A to G substitution at nucleotide position 146. The histidine at codon 49 is replaced by arginine, an amino acid with highly similar properties. This amino acid position is conserved. In addition, this alteration is predicted to be tolerated by in silico analysis. Based on the available evidence, the clinical significance of this variant remains unclear.